The following is an entry in ClinVar:

NM_018979.4(WNK1):c.3516A>G (p.Ile1172Met)

Gene: WNK1 (WNK lysine deficient protein kinase 1; plus strand). Cytogenetic location: 12p13.33.
Variant type: single nucleotide variant.
Coding change: c.3516A>G on transcript NM_018979.4 (MANE Select); coding-DNA position 3516, A replaced by G.
Protein change: p.Ile1172Met; replaces isoleucine 1172 with methionine.
Molecular consequence: missense variant.
Genome position (GRCh38, 1-based): chr12:883,421, A>G. VCF-style: chr12-883421-A-G. GRCh37 (hg19) VCF-style: chr12-992587-A-G.
Other names: c.4296A>G, p.Ile1432Met (NM_001184985.2); c.2775A>G, p.Ile925Met (NM_014823.3); c.4272A>G, p.Ile1424Met (NM_213655.5); short protein forms I1172M, I1424M, I1432M, I925M.
Identifiers: ClinVar variation 55836 (VCV000055836.17), dbSNP rs150532648, ClinGen allele CA143951.
Genomic context (GRCh38, chr12:883,421, plus strand): 5'-CACTAATTAGACTGACATCACATTTCTTTTACAGGTGAACAATGACTTTATTCTAGCAAT[A>G]GAGAGAGAGTCGTTTGTGGATCAAGTGCGAGAAATTATTGAAAAAGCTGATGAAATGCTC-3'
Protein context (NP_061852.3, residues 1162-1182): IMVNNDFILA[Ile1172Met]ERESFVDQVR

ClinVar aggregate classification (germline): Benign/Likely benign. Review status: criteria provided, multiple submitters, no conflicts (2 of 4 stars). 5 submissions from 5 submitters: Benign (1); Likely benign (3). 1 of the submissions does not count toward it. Last evaluated 2026-04-27.

Conditions:
WNK1-related disorder. Also called: WNK1-related condition.
Inborn genetic diseases. Identifiers: MedGen C0950123, MeSH D030342.
Neuropathy, hereditary sensory and autonomic, type 2A (HSAN2A). Also called: WNK1-Related HSAN2 (HSAN2A); HSAN IIA; ACROOSTEOLYSIS, GIACCAI TYPE; ACROOSTEOLYSIS, NEUROGENIC; MORVAN DISEASE; NEUROPATHY, CONGENITAL SENSORY. Identifiers: Orphanet 970, MedGen C2752089, MONDO:0024309, OMIM 201300.
Pseudohypoaldosteronism type 2C (PHA2C). Also called: Pseudohypoaldosteronism Type IIC. Identifiers: Orphanet 757, Orphanet 88940, MedGen C1840391, MONDO:0013778, OMIM 614492.
Variant of unknown significance. Identifiers: MedGen C2986382.

Allele frequency attached by ClinVar (database versions not stated): gnomAD 0.00004 and 0.00011; TOPMed 0.00013; gnomAD exomes 0.00031; ExAC 0.00037; 1000 Genomes Project 30x 0.00047; 1000 Genomes Project 0.00060.
gnomAD v4.1: 461 of 1,614,088 alleles (0.029%); highest among the groups gnomAD compares: East Asian, 0.99%; 8 homozygotes.

Submissions (5):

PreventionGenetics, part of Exact Sciences
Classification: Likely benign for WNK1-related condition. Last evaluated: 2026-04-27. Review status: criteria provided, single submitter. Criteria: ACMG Guidelines, 2015. Collection method: clinical testing. Allele origin: germline.
Comment: This variant is classified as likely benign based on ACMG/AMP sequence variant interpretation guidelines (Richards et al. 2015 PMID: 25741868, with internal and published modifications).

Labcorp Genetics (formerly Invitae), Labcorp
Classification: Likely benign for Neuropathy, hereditary sensory and autonomic, type 2A; Pseudohypoaldosteronism type 2C. Last evaluated: 2024-05-29. Review status: criteria provided, single submitter. Criteria: Invitae Variant Classification Sherloc (09022015). Collection method: clinical testing. Allele origin: germline.

Ambry Genetics
Classification: Likely benign for Inborn genetic diseases. Last evaluated: 2023-09-01. Review status: criteria provided, single submitter. Criteria: Ambry Variant Classification Scheme 2023. Collection method: clinical testing. Allele origin: germline.

Illumina Laboratory Services, Illumina
Classification: Benign for Pseudohypoaldosteronism type 2C. Last evaluated: 2018-01-12. Review status: criteria provided, single submitter. Criteria: ICSL Variant Classification Criteria 13 December 2019. Collection method: clinical testing. Allele origin: germline.
Comment: This variant was observed in the ICSL laboratory as part of a predisposition screen in an ostensibly healthy population. It had not been previously curated by ICSL or reported in the Human Gene Mutation Database (HGMD: prior to June 1st, 2018), and was therefore a candidate for classification through an automated scoring system. Utilizing variant allele frequency, disease prevalence and penetrance estimates, and inheritance mode, an automated score was calculated to assess if this variant is too frequent to cause the disease. Based on the score and internal cut-off values, a variant classified as benign is not then subjected to further curation. The score for this variant resulted in a classification of benign for this disease.

OMIM
Classification: Uncertain significance for VARIANT OF UNKNOWN SIGNIFICANCE. Last evaluated: 2013-06-01. Review status: no assertion criteria provided. Collection method: literature only. Allele origin: germline. Not counted in ClinVar's aggregate classification.

Literature cited by the submitters: PubMed 18580052 (cited by OMIM); PubMed 22934535 (cited by OMIM).